The following is an entry in ClinVar:

NM_000278.5(PAX2):c.71G>T (p.Gly24Val)

Gene: PAX2 (paired box 2; plus strand). Cytogenetic location: 10q24.31.
Variant type: single nucleotide variant.
Coding change: c.71G>T on transcript NM_000278.5 (MANE Select); coding-DNA position 71, G replaced by T.
Protein change: p.Gly24Val; replaces glycine 24 with valine.
Molecular consequence: missense variant.
Genome position (GRCh38, 1-based): chr10:100,749,773, G>T. VCF-style: chr10-100749773-G-T. GRCh37 (hg19) VCF-style: chr10-102509530-G-T.
Other names: c.71G>T, p.Gly24Val (NM_003988.5, NM_003989.5, NM_003990.5 and 1 more transcripts); c.164G>T, p.Gly55Val (NM_001304569.2); short protein forms G24V, G55V.
Identifiers: ClinVar variation 2953821 (VCV002953821.6), dbSNP rs201239919, ClinGen allele CA378257469.
Genomic context (GRCh38, chr10:100,749,773, plus strand): 5'-GGGGTGTTGTGTTTTTTTCTTGTCTCTCCCCAGCAGGGCACGGGGGTGTGAACCAGCTCG[G>T]GGGGGTGTTTGTGAACGGCCGGCCCCTACCCGACGTGGTGAGGCAGCGCATCGTGGAGCT-3'
Protein context (NP_000269.3, residues 14-34): HPGHGGVNQL[Gly24Val]GVFVNGRPLP

ClinVar aggregate classification (germline): Likely pathogenic. Review status: criteria provided, multiple submitters, no conflicts (2 of 4 stars). 3 submissions from 3 submitters: Likely pathogenic (3). Last evaluated 2024-03-26.

Conditions:
Focal segmental glomerulosclerosis 7 (FSGS7). Identifiers: Orphanet 656, MedGen C4014925, MONDO:0014451, OMIM 616002.
Renal coloboma syndrome (PAPRS). Also called: COLOBOMA OF OPTIC NERVE WITH RENAL DISEASE; OPTIC COLOBOMA, VESICOURETERAL REFLUX, AND RENAL ANOMALIES; OPTIC NERVE COLOBOMA WITH RENAL DISEASE; RENAL-COLOBOMA SYNDROME WITH MACULAR ABNORMALITIES; PAPILLORENAL SYNDROME; PAPILLORENAL SYNDROME WITH MILD OCULAR ABNORMALITIES. Identifiers: Orphanet 1475, MedGen C1852759, MONDO:0007352, OMIM 120330.

Submissions (3):

Fulgent Genetics
Classification: Likely pathogenic for Renal coloboma syndrome; Focal segmental glomerulosclerosis 7. Last evaluated: 2024-03-26. Review status: criteria provided, single submitter. Criteria: ACMG Guidelines, 2015. Collection method: clinical testing. Allele origin: germline.

Labcorp Genetics (formerly Invitae), Labcorp
Classification: Likely pathogenic for Renal coloboma syndrome; Focal segmental glomerulosclerosis 7. Last evaluated: 2023-11-12. Review status: criteria provided, single submitter. Criteria: Invitae Variant Classification Sherloc (09022015). Collection method: clinical testing. Allele origin: germline.
Comment: This sequence change replaces glycine, which is neutral and non-polar, with valine, which is neutral and non-polar, at codon 24 of the PAX2 protein (p.Gly24Val). This variant is not present in population databases (gnomAD no frequency). This missense change has been observed in individual(s) with PAX2-related conditions (PMID: 30348286; Invitae). In at least one individual the variant was observed to be de novo. Experimental studies and prediction algorithms are not available or were not evaluated, and the functional significance of this variant is currently unknown. This variant disrupts the p.Gly24 amino acid residue in PAX2. Other variant(s) that disrupt this residue have been determined to be pathogenic (PMID: 30773290, 35444690; Invitae). This suggests that this residue is clinically significant, and that variants that disrupt this residue are likely to be disease-causing. In summary, the currently available evidence indicates that the variant is pathogenic, but additional data are needed to prove that conclusively. Therefore, this variant has been classified as Likely Pathogenic.

Juno Genomics, Hangzhou Juno Genomics, Inc
Classification: Likely pathogenic for Focal segmental glomerulosclerosis 7; Renal coloboma syndrome. Review status: criteria provided, single submitter. Criteria: ACMG Guidelines, 2015. Collection method: clinical testing. Allele origin: germline. Affected: yes.
Comment: Absent from controls (or at extremely low frequency if recessive) in Genome Aggregation Database, Exome Sequencing Project, 1000 Genomes Project, or Exome Aggregation Consortium.;Multiple lines of computational evidence support a deleterious effect on the gene or gene product (conservation, evolutionary, splicing impact, etc).;Assumed de novo, but without confirmation of paternity and maternity.;Patient's phenotype or family history is highly specific for a disease with a single genetic etiology.;Novel missense change at an amino acid residue where a different missense change determined to be pathogenic has been seen before.

Literature cited by the submitters: PubMed 30348286 (cited by Labcorp Genetics (formerly Invitae), Labcorp); PubMed 30773290 (cited by Labcorp Genetics (formerly Invitae), Labcorp); PubMed 35444690 (cited by Labcorp Genetics (formerly Invitae), Labcorp).